The following is an entry in ClinVar:

ClinVar aggregate classification (germline): Uncertain significance (1 of 4 stars; one submission).

Conditions:
Autosomal dominant polycystic kidney disease. Identifiers: Orphanet 730, MedGen C0085413, MONDO:0004691.

Submission:

Labcorp Genetics (formerly Invitae), Labcorp
Classification: Uncertain significance for Autosomal dominant polycystic kidney disease. Last evaluated: 2020-02-29. Review status: criteria provided, single submitter. Criteria: Invitae Variant Classification Sherloc (09022015). Collection method: clinical testing. Allele origin: germline.
Comment: Algorithms developed to predict the effect of sequence changes on RNA splicing suggest that this variant may create or strengthen a splice site, but this prediction has not been confirmed by published transcriptional studies. Algorithms developed to predict the effect of missense changes on protein structure and function are either unavailable or do not agree on the potential impact of this missense change (SIFT: "Tolerated"; PolyPhen-2: "Probably Damaging"; Align-GVGD: "Class C0"). This variant has not been reported in the literature in individuals with PKD2-related disease. The frequency data for this variant in the population databases is considered unreliable, as metrics indicate insufficient coverage at this position in the ExAC database. This sequence change replaces glycine with serine at codon 45 of the PKD2 protein (p.Gly45Ser). The glycine residue is moderately conserved and there is a small physicochemical difference between glycine and serine. In summary, the available evidence is currently insufficient to determine the role of this variant in disease. Therefore, it has been classified as a Variant of Uncertain Significance.

NM_000297.4(PKD2):c.133G>A (p.Gly45Ser)

Genes: PKD2 (polycystin 2, transient receptor potential cation channel; plus strand), LOC129992813 (ATAC-STARR-seq lymphoblastoid silent region 15559; plus strand). Cytogenetic location: 4q22.1.
Variant type: single nucleotide variant.
Coding change: c.133G>A on transcript NM_000297.4 (MANE Select); coding-DNA position 133, G replaced by A.
Protein change: p.Gly45Ser; replaces glycine 45 with serine.
Molecular consequence: missense variant. On other transcripts: non-coding transcript variant (1).
Genome position (GRCh38, 1-based): chr4:88,007,866, G>A. VCF-style: chr4-88007866-G-A. GRCh37 (hg19) VCF-style: chr4-88929018-G-A.
Other names: short protein forms G45S.
Identifiers: ClinVar variation 663883 (VCV000663883.9), dbSNP rs1578111200, ClinGen allele CA357625352.